The following is an entry in ClinVar:

NM_006767.4(LZTR1):c.1435G>C (p.Glu479Gln)

Gene: LZTR1 (leucine zipper like post translational regulator 1; plus strand). Cytogenetic location: 22q11.21.
Variant type: single nucleotide variant.
Coding change: c.1435G>C on transcript NM_006767.4 (MANE Select); coding-DNA position 1435, G replaced by C.
Protein change: p.Glu479Gln; replaces glutamic acid 479 with glutamine.
Molecular consequence: missense variant.
Genome position (GRCh38, 1-based): chr22:20,994,005, G>C. VCF-style: chr22-20994005-G-C. GRCh37 (hg19) VCF-style: chr22-21348294-G-C.
Other names: short protein forms E479Q.
Identifiers: ClinVar variation 3541590 (VCV003541590.1).

ClinVar aggregate classification (germline): Uncertain significance (1 of 4 stars; one submission).

Conditions:
Hereditary cancer-predisposing syndrome. Also called: Hereditary Cancer Syndrome; Hereditary neoplastic syndrome; Tumor predisposition; Neoplastic Syndromes, Hereditary. Identifiers: Orphanet 140162, MedGen C0027672, MeSH D009386, MONDO:0015356.
Cardiovascular phenotype. Identifiers: MedGen CN230736.

Submission:

Ambry Genetics
Classification: Uncertain significance for Cardiovascular phenotype; Hereditary cancer-predisposing syndrome. Last evaluated: 2024-07-29. Review status: criteria provided, single submitter. Criteria: Ambry Variant Classification Scheme 2023. Collection method: clinical testing. Allele origin: germline.
Comment: The p.E479Q variant (also known as c.1435G>C), located in coding exon 13 of the LZTR1 gene, results from a G to C substitution at nucleotide position 1435. The glutamic acid at codon 479 is replaced by glutamine, an amino acid with highly similar properties. This amino acid position is conserved. In addition, this alteration is predicted to be tolerated by in silico analysis. Based on the available evidence, the clinical significance of this variant remains unclear.